The following is an entry in ClinVar:

NM_000388.4(CASR):c.1754G>C (p.Cys585Ser)

Gene: CASR (calcium sensing receptor; plus strand). Cytogenetic location: 3q21.1.
Variant type: single nucleotide variant.
Coding change: c.1754G>C on transcript NM_000388.4 (MANE Select); coding-DNA position 1754, G replaced by C.
Protein change: p.Cys585Ser; replaces cysteine 585 with serine.
Molecular consequence: missense variant.
Genome position (GRCh38, 1-based): chr3:122,283,708, G>C. VCF-style: chr3-122283708-G-C. GRCh37 (hg19) VCF-style: chr3-122002555-G-C.
Other names: c.1784G>C, p.Cys595Ser (NM_001178065.2); short protein forms C595S, C585S.
Identifiers: ClinVar variation 3571651 (VCV003571651.2).

ClinVar aggregate classification (germline): Uncertain significance. Review status: criteria provided, multiple submitters, no conflicts (2 of 4 stars). 2 submissions from 2 submitters: Uncertain significance (2). Last evaluated 2025-09-03.

Conditions:
Autosomal dominant hypocalcemia 1 (HYPOC1). Also called: HYPOCALCEMIA, FAMILIAL. Identifiers: MedGen C3715128, MONDO:0011013, OMIM 601198.
Familial hypocalciuric hypercalcemia (FHH). Also called: Familial benign hypercalcemia. Identifiers: Orphanet 405, MedGen C1809471, MONDO:0018458.

Submissions (2):

Labcorp Genetics (formerly Invitae), Labcorp
Classification: Uncertain significance for Familial hypocalciuric hypercalcemia; Autosomal dominant hypocalcemia 1. Last evaluated: 2025-09-03. Review status: criteria provided, single submitter. Criteria: Invitae Variant Classification Sherloc (09022015). Collection method: clinical testing. Allele origin: germline.
Comment: This sequence change replaces cysteine, which is neutral and slightly polar, with serine, which is neutral and polar, at codon 585 of the CASR protein (p.Cys585Ser). This variant is not present in population databases (gnomAD no frequency). This variant has not been reported in the literature in individuals affected with CASR-related conditions. ClinVar contains an entry for this variant (Variation ID: 3571651). An algorithm developed to predict the effect of missense changes on protein structure and function (PolyPhen-2) suggests that this variant is likely to be disruptive. In summary, the available evidence is currently insufficient to determine the role of this variant in disease. Therefore, it has been classified as a Variant of Uncertain Significance.

Athena Diagnostics
Classification: Uncertain significance. Last evaluated: 2023-12-21. Review status: criteria provided, single submitter. Criteria: Athena Diagnostics Criteria. Collection method: clinical testing. Allele origin: unknown.
Comment: Available data are insufficient to determine the clinical significance of the variant at this time. This variant has not been reported in large, multi-ethnic general populations. Computational tools predict that this variant is damaging.

Literature cited by the submitters: PubMed 10488104 (cited by Athena Diagnostics).